The following is an entry in ClinVar:

NC_000021.8:g.(?_37832919)_(37852421_?)dup

Gene: CLDN14 (claudin 14; minus strand). Cytogenetic location: 21q22.13.
Variant type: Duplication.
Identifiers: ClinVar variation 4526024 (VCV004526024.1).

ClinVar aggregate classification (germline): Uncertain significance (1 of 4 stars; one submission).

Submission:

Women's Health and Genetics/Laboratory Corporation of America, LabCorp
Classification: Uncertain significance. Last evaluated: 2025-07-09. Review status: criteria provided, single submitter. Criteria: LabCorp Variant Classification Summary - May 2015. Collection method: clinical testing. Allele origin: germline.
Comment: Variant summary: The variant involves the duplication of exons 1-3 in the CLDN14 gene. A presumed nomenclature of c.(?_-900)_(*355_?)dup has been designated for the purposes of this classification. This duplication includes the entire coding sequence of the gene. As exact breakpoints are unknown, it may extend beyond the annotated region of the gene, to include other flanking genes. The variant was absent in 21694 control chromosomes. The available data on variant occurrences in the general population are insufficient to allow any conclusion about variant significance. To our knowledge, no occurrence of c.(?_-900)_(*355_?)dup in individuals affected with Autosomal Recessive Nonsyndromic Hearing Loss 29 and no experimental evidence demonstrating its impact on protein function have been reported. No submitters have cited clinical-significance assessments for this variant to ClinVar. Based on the evidence outlined above, the variant was classified as uncertain significance.